The following is an entry in ClinVar:

NM_000929.3(PLA2G5):c.416A>G (p.Ter139Trp)

Gene: PLA2G5 (phospholipase A2 group V; plus strand). Cytogenetic location: 1p36.13.
Variant type: single nucleotide variant.
Coding change: c.416A>G on transcript NM_000929.3 (MANE Select); coding-DNA position 416, A replaced by G.
Protein change: p.Ter139Trp.
Molecular consequence: stop lost.
Genome position (GRCh38, 1-based): chr1:20,090,691, A>G. VCF-style: chr1-20090691-A-G. GRCh37 (hg19) VCF-style: chr1-20417184-A-G.
Identifiers: ClinVar variation 2123472 (VCV002123472.4), dbSNP rs1200301817, ClinGen allele CA338823264.

ClinVar aggregate classification (germline): Uncertain significance (1 of 4 stars; one submission).

Allele frequency attached by ClinVar (database versions not stated): gnomAD exomes below 0.00001.
gnomAD v4.1: 1 of 1,614,054 alleles (0.000062%); highest among the groups gnomAD compares: East Asian, 0.0022%; no homozygotes.

Submission:

Labcorp Genetics (formerly Invitae), Labcorp
Classification: Uncertain significance. Last evaluated: 2022-05-20. Review status: criteria provided, single submitter. Criteria: Invitae Variant Classification Sherloc (09022015). Collection method: clinical testing. Allele origin: germline.
Comment: In summary, the available evidence is currently insufficient to determine the role of this variant in disease. Therefore, it has been classified as a Variant of Uncertain Significance. This variant has not been reported in the literature in individuals affected with PLA2G5-related conditions. This variant is present in population databases (no rsID available, gnomAD 0.006%). This sequence change disrupts the translational stop signal of the PLA2G5 mRNA. It is expected to extend the length of the PLA2G5 protein by 22 additional amino acid residues.